The following is an entry in ClinVar:

ClinVar aggregate classification (germline): Uncertain significance (1 of 4 stars; one submission).

Conditions:
Hereditary spastic paraplegia 28. Also called: Spastic paraplegia 28, autosomal recessive. Identifiers: Orphanet 101008, MedGen C1836295, MONDO:0012256, OMIM 609340.

Allele frequency attached by ClinVar (database versions not stated): TOPMed below 0.00001.
gnomAD v4.1: 1 of 1,614,158 alleles (0.000062%); no homozygotes.

Submission:

Labcorp Genetics (formerly Invitae), Labcorp
Classification: Uncertain significance for Hereditary spastic paraplegia 28. Last evaluated: 2018-09-15. Review status: criteria provided, single submitter. Criteria: Invitae Variant Classification Sherloc (09022015). Collection method: clinical testing. Allele origin: germline.
Comment: In summary, this variant is a novel missense change that is not predicted to affect protein function. There is no indication that it causes disease, but the available evidence is currently insufficient to prove that conclusively. Therefore, it has been classified as a Variant of Uncertain Significance. Algorithms developed to predict the effect of missense changes on protein structure and function (SIFT, PolyPhen-2, Align-GVGD) all suggest that this variant is likely to be tolerated, but these predictions have not been confirmed by published functional studies. This variant is not present in population databases (ExAC no frequency) and has not been reported in the literature in individuals with a DDHD1-related disease. This sequence change replaces threonine with proline at codon 801 of the DDHD1 protein (p.Thr801Pro). The threonine residue is moderately conserved and there is a small physicochemical difference between threonine and proline.

NM_001160148.2(DDHD1):c.2380A>C (p.Thr794Pro)

Gene: DDHD1 (DDHD domain containing 1; minus strand). Cytogenetic location: 14q22.1.
Variant type: single nucleotide variant.
Coding change: c.2380A>C on transcript NM_001160148.2 (MANE Select); coding-DNA position 2380, A replaced by C.
Protein change: p.Thr794Pro; replaces threonine 794 with proline.
Molecular consequence: missense variant.
Genome position (GRCh38, 1-based): chr14:53,054,495, T>G on the plus strand (A>C on the coding strand, the complement: DDHD1 is on the minus strand). VCF-style: chr14-53054495-T-G. GRCh37 (hg19) VCF-style: chr14-53521213-T-G.
Other names: c.2401A>C, p.Thr801Pro (NM_001160147.2); c.2380A>C, p.Thr794Pro (NM_030637.3); short protein forms T794P, T801P.
Identifiers: ClinVar variation 464308 (VCV000464308.9), dbSNP rs1555330109, ClinGen allele CA389769681.